The following is an entry in ClinVar:

NM_015559.3(SETBP1):c.927C>T (p.Asn309=)

Gene: SETBP1 (SET binding protein 1; plus strand). Cytogenetic location: 18q12.3.
Variant type: single nucleotide variant.
Coding change: c.927C>T on transcript NM_015559.3 (MANE Select); coding-DNA position 927, C replaced by T.
Protein change: p.Asn309=; no amino-acid change (asparagine 309 retained).
Molecular consequence: synonymous variant.
Genome position (GRCh38, 1-based): chr18:44,950,267, C>T. VCF-style: chr18-44950267-C-T. GRCh37 (hg19) VCF-style: chr18-42530232-C-T.
Other names: c.927C>T, p.Asn309= (NM_001379141.1, NM_001379142.1); c.927C>T (NM_015559.2).
Identifiers: ClinVar variation 1284988 (VCV001284988.12), dbSNP rs199603131, ClinGen allele CA8945522.

ClinVar aggregate classification (germline): Likely benign. Review status: criteria provided, single submitter (1 of 4 stars). 4 submissions from 4 submitters: Likely benign (1). 3 of the submissions do not count toward it. Last evaluated 2026-01-19.

Conditions:
SETBP1-related disorder. Also called: SETBP1-related condition; SETBP1-related disorders.

Allele frequency attached by ClinVar (database versions not stated): gnomAD exomes 0.00003 and 0.00008; ExAC 0.00008; gnomAD 0.00013 and 0.00015; ESP Exome Variant Server 0.00015; TOPMed 0.00017; 1000 Genomes Project 0.00020; 1000 Genomes Project 30x 0.00031.
gnomAD v4.1: 67 of 1,614,024 alleles (0.0042%); highest among the groups gnomAD compares: Admixed American, 0.053%; no homozygotes.

Submissions (4):

Labcorp Genetics (formerly Invitae), Labcorp
Classification: Likely benign. Last evaluated: 2026-01-19. Review status: criteria provided, single submitter. Criteria: Invitae Variant Classification Sherloc (09022015). Collection method: clinical testing. Allele origin: germline.

PreventionGenetics, part of Exact Sciences
Classification: Likely benign for SETBP1-related condition. Last evaluated: 2024-09-23. Review status: no assertion criteria provided. Collection method: clinical testing. Allele origin: germline. Not counted in ClinVar's aggregate classification.
Comment: This variant is classified as likely benign based on ACMG/AMP sequence variant interpretation guidelines (Richards et al. 2015 PMID: 25741868, with internal and published modifications).

Clinical Genetics DNA and cytogenetics Diagnostics Lab, Erasmus MC, Erasmus Medical Center
Classification: Likely benign. Review status: no assertion criteria provided. Collection method: clinical testing. Allele origin: germline. Affected: yes. Study: VKGL Data-share Consensus. Not counted in ClinVar's aggregate classification.

Genome Diagnostics Laboratory, University Medical Center Utrecht
Classification: Likely benign. Review status: no assertion criteria provided. Collection method: clinical testing. Allele origin: germline. Affected: yes. Study: VKGL Data-share Consensus. Not counted in ClinVar's aggregate classification.